The following is an entry in ClinVar:

ClinVar aggregate classification (germline): Uncertain significance. Review status: criteria provided, multiple submitters, no conflicts (2 of 4 stars). 2 submissions from 2 submitters: Uncertain significance (2). Last evaluated 2025-01-15.

Conditions:
Autosomal recessive ataxia, Beauce type. Also called: ATAXIA, RECESSIVE, OF BEAUCE; Spinocerebellar ataxia, autosomal recessive 8; SYNE1-Related Autosomal Recessive Cerebellar Ataxia; SYNE1 Deficiency. Identifiers: Orphanet 88644, MedGen C1853116, MONDO:0012549, OMIM 610743.
Emery-Dreifuss muscular dystrophy 4, autosomal dominant (EDMD4). Also called: EMERY-DREIFUSS MUSCULAR DYSTROPHY 4 WITH VARIABLE FEATURES. Identifiers: Orphanet 261, MedGen C2751807, MONDO:0013071, OMIM 612998.

gnomAD v4.1: 16 of 1,614,076 alleles (0.00099%); highest among the groups gnomAD compares: Admixed American, 0.027%; no homozygotes.

Submissions (2):

Labcorp Genetics (formerly Invitae), Labcorp
Classification: Uncertain significance for Emery-Dreifuss muscular dystrophy 4, autosomal dominant; Autosomal recessive ataxia, Beauce type. Last evaluated: 2025-01-15. Review status: criteria provided, single submitter. Criteria: Invitae Variant Classification Sherloc (09022015). Collection method: clinical testing. Allele origin: germline.
Comment: This sequence change replaces alanine, which is neutral and non-polar, with glutamic acid, which is acidic and polar, at codon 3427 of the SYNE1 protein (p.Ala3427Glu). This variant is present in population databases (rs748911036, gnomAD 0.04%). This variant has not been reported in the literature in individuals affected with SYNE1-related conditions. ClinVar contains an entry for this variant (Variation ID: 994787). An algorithm developed to predict the effect of missense changes on protein structure and function (PolyPhen-2) suggests that this variant is likely to be disruptive. In summary, the available evidence is currently insufficient to determine the role of this variant in disease. Therefore, it has been classified as a Variant of Uncertain Significance.

Athena Diagnostics
Classification: Uncertain significance. Last evaluated: 2019-11-18. Review status: criteria provided, single submitter. Criteria: Athena Diagnostics Criteria. Collection method: clinical testing. Allele origin: unknown.

NM_182961.4(SYNE1):c.10259C>A (p.Ala3420Glu)

Gene: SYNE1 (spectrin repeat containing nuclear envelope protein 1; minus strand). Cytogenetic location: 6q25.2.
Variant type: single nucleotide variant.
Coding change: c.10259C>A on transcript NM_182961.4 (MANE Select); coding-DNA position 10259, C replaced by A.
Protein change: p.Ala3420Glu; replaces alanine 3420 with glutamic acid.
Molecular consequence: missense variant.
Genome position (GRCh38, 1-based): chr6:152,362,210, G>T on the plus strand (C>A on the coding strand, the complement: SYNE1 is on the minus strand). VCF-style: chr6-152362210-G-T. GRCh37 (hg19) VCF-style: chr6-152683345-G-T.
Other names: c.10280C>A, p.Ala3427Glu (NM_033071.5); short protein forms A3420E, A3427E.
Identifiers: ClinVar variation 994787 (VCV000994787.9), dbSNP rs748911036, ClinGen allele CA4057018.
Genomic context (GRCh38, chr6:152,362,210, plus strand): 5'-ATCTGAAATCCAGCTCTCACCTTGGCTTTTCCGAGCATCGTTGTTTTATCCCGCAGCTCC[G>T]CATGCTGCCTTTCTGATTCATTCAGGTTGGCTTCCATACTATCCATCCAACCGGAGAACT-3'
Protein context (NP_892006.3, residues 3410-3430): ANLNESERQH[Ala3420Glu]ELRDKTTMLG